The following is an entry in ClinVar:

ClinVar aggregate classification (germline): Uncertain significance (1 of 4 stars; one submission).

Conditions:
Hereditary cancer-predisposing syndrome. Also called: Neoplastic Syndromes, Hereditary; Tumor predisposition; Hereditary Cancer Syndrome; Hereditary neoplastic syndrome. Identifiers: Orphanet 140162, MedGen C0027672, MeSH D009386, MONDO:0015356.

Submission:

Color Diagnostics, LLC DBA Color Health
Classification: Uncertain significance for Hereditary cancer-predisposing syndrome. Last evaluated: 2023-07-18. Review status: criteria provided, single submitter. Criteria: ACMG Guidelines, 2015. Collection method: clinical testing. Allele origin: germline.
Comment: This variant replaces the translation termination codon with an arginine codon in the BRCA1 gene, and it is expected extend the length of the normal protein (1863 amino acids) by 39 amino acids (a.a.). This protein extension is at the carboxyl terminus of the protein, where the functionally important BRCT domain is located (PMID: 22737296). To our knowledge, functional studies have not been reported for this variant nor has this variant has been reported in individuals affected with BRCA1-related disorders in the literature. Two other variants that cause an approximately 60 a.a. extension, p.Gln1857Argfs\\*65 and p.His1860Thrfs\\*62, have been reported as likely disease-causing in ClinVar (variation ID: 265622, 1506762). By contrast, a variant that causes an approximately 20 a.a. extension, p.His1860Profs\\*20, is reported to have a likelihood ratio of pathogenicity based on clinical history of 0.09, suggesting that it is not associated with disease (PMID: 31853058). This variant, c.5590T>A (p.\\*1864Argext\\*39), causes an intermediate length C-terminal protein extension between the aforementioned variants, and it has not been identified in the general population by the Genome Aggregation Database (gnomAD). The available evidence is insufficient to determine the role of this variant in disease conclusively. Therefore, this variant is classified as a Variant of Uncertain Significance.

Literature cited by the submitters: PubMed 22737296; PubMed 31853058.

NM_007294.4(BRCA1):c.5590T>A (p.Ter1864Arg)

Gene: BRCA1 (BRCA1 DNA repair associated; minus strand). Cytogenetic location: 17q21.31.
Variant type: single nucleotide variant.
Coding change: c.5590T>A on transcript NM_007294.4 (MANE Select); coding-DNA position 5590, T replaced by A.
Protein change: p.Ter1864Arg.
Molecular consequence: stop lost. On other transcripts: 3 prime UTR variant (17).
Genome position (GRCh38, 1-based): chr17:43,045,680, A>T on the plus strand (T>A on the coding strand, the complement: BRCA1 is on the minus strand). VCF-style: chr17-43045680-A-T. GRCh37 (hg19) VCF-style: chr17-41197697-A-T.
Other names: c.5326T>A, p.Ter1776Arg (NM_001407924.1, NM_001407925.1, NM_001407926.1 and 4 more transcripts); c.5323T>A, p.Ter1775Arg (NM_001407927.1, NM_001407928.1, NM_001407929.1 and 4 more transcripts); c.5320T>A, p.Ter1774Arg (NM_001407934.1, NM_001407935.1, NM_001407936.1); c.*104T>A (NM_001407937.1, NM_001407938.1, NM_001407939.1 and 14 more transcripts); c.5257T>A, p.Ter1753Arg (NM_001407946.1, NM_001407947.1, NM_001407948.1 and 1 more transcripts); c.5254T>A, p.Ter1752Arg (NM_001407950.1, NM_001407951.1, NM_001407952.1 and 3 more transcripts); c.5251T>A, p.Ter1751Arg (NM_001407956.1, NM_001407957.1, NM_001407958.1); c.5209T>A, p.Ter1737Arg (NM_001407959.1); and 74 more.
Identifiers: ClinVar variation 2774823 (VCV002774823.2), dbSNP rs2152478716, ClinGen allele CA10590145.